The following is an entry in ClinVar:

NM_031443.4(CCM2):c.31-10449G>T

Gene: CCM2 (CCM2 scaffold protein; plus strand). Cytogenetic location: 7p13.
Variant type: single nucleotide variant.
Coding change: c.31-10449G>T on transcript NM_031443.4 (MANE Select); 10449 bases into the intron before coding-DNA position 31, G replaced by T.
Molecular consequence: intron variant.
Genome position (GRCh38, 1-based): chr7:45,027,804, G>T. VCF-style: chr7-45027804-G-T. GRCh37 (hg19) VCF-style: chr7-45067403-G-T.
Other names: c.31-10449G>T (NM_001363458.2, NM_001167935.2); c.30+27441G>T (NM_001363459.2, NM_001167934.2); c.93+7G>T (NM_001029835.2).
Identifiers: ClinVar variation 3058171 (VCV003058171.3), dbSNP rs1014245661, ClinGen allele CA157954823.

ClinVar aggregate classification (germline): Likely benign. Review status: criteria provided, single submitter (1 of 4 stars). 2 submissions from 2 submitters: Likely benign (1). 1 of the submissions does not count toward it. Last evaluated 2024-09-02.

Conditions:
CCM2-related disorder. Also called: CCM2-related condition.

Allele frequency attached by ClinVar (database versions not stated): TOPMed 0.00001.
gnomAD v4.1: 18 of 1,614,072 alleles (0.0011%); highest among the groups gnomAD compares: Middle Eastern, 0.017%; no homozygotes.

Submissions (2):

Blueprint Genetics
Classification: Likely benign. Last evaluated: 2024-09-02. Review status: criteria provided, single submitter. Criteria: ACMG Guidelines, 2015. Collection method: clinical testing. Allele origin: germline.

PreventionGenetics, part of Exact Sciences
Classification: Likely benign for CCM2-related condition. Last evaluated: 2019-04-08. Review status: no assertion criteria provided. Collection method: clinical testing. Allele origin: germline. Not counted in ClinVar's aggregate classification.
Comment: This variant is classified as likely benign based on ACMG/AMP sequence variant interpretation guidelines (Richards et al. 2015 PMID: 25741868, with internal and published modifications).